The following is an entry in ClinVar:

ClinVar aggregate classification (germline): Likely benign (0 of 4 stars; one submission).

Conditions:
SATL1-related disorder. Also called: SATL1-related condition.

Allele frequency attached by ClinVar (database versions not stated): ESP Exome Variant Server 0.00009; gnomAD exomes 0.00013; gnomAD 0.00017; TOPMed 0.00027; ExAC 0.00030.
gnomAD v4.1: 184 of 1,208,626 alleles (0.015%); highest among the groups gnomAD compares: Admixed American, 0.048%; no homozygotes.

Submission:

PreventionGenetics, part of Exact Sciences
Classification: Likely benign for SATL1-related condition. Last evaluated: 2019-08-08. Review status: no assertion criteria provided. Collection method: clinical testing. Allele origin: germline.
Comment: This variant is classified as likely benign based on ACMG/AMP sequence variant interpretation guidelines (Richards et al. 2015 PMID: 25741868, with internal and published modifications).

NM_001367857.2(SATL1):c.929A>T (p.Asp310Val)

Gene: SATL1 (spermidine/spermine N1-acetyl transferase like 1; minus strand). Cytogenetic location: Xq21.1.
Variant type: single nucleotide variant.
Coding change: c.929A>T on transcript NM_001367857.2 (MANE Select); coding-DNA position 929, A replaced by T.
Protein change: p.Asp310Val; replaces aspartic acid 310 with valine.
Molecular consequence: missense variant.
Genome position (GRCh38, 1-based): chrX:85,108,040, T>A on the plus strand (A>T on the coding strand, the complement: SATL1 is on the minus strand). VCF-style: chrX-85108040-T-A. GRCh37 (hg19) VCF-style: chrX-84363046-T-A.
Other names: c.929A>T, p.Asp310Val (NM_001012980.2, NM_001367858.2); short protein forms D310V.
Identifiers: ClinVar variation 3034538 (VCV003034538.2), dbSNP rs201802602, ClinGen allele CA10464406.
Genomic context (GRCh38, chrX:85,108,040, plus strand): 5'-CCTGGTTGGCTCCTACCTAATTGCCATGTGCCTGGTTGTTTCATGCCAGGTTGGTTTATG[T>A]CTGGTAGGTTTGTACCTGATTGCCTCATGCCAGCTTGGCTCATGCTTGGTTGTTTCATGT-3'
Protein context (NP_001354786.1, residues 300-320): GMRQSGTNLP[Asp310Val]INQPGMKQPG